The following is an entry in ClinVar:

NM_004329.3(BMPR1A):c.68-15_68-12del

Gene: BMPR1A (bone morphogenetic protein receptor type 1A; plus strand). Cytogenetic location: 10q23.2.
Variant type: Deletion.
Coding change: c.68-15_68-12del on transcript NM_004329.3 (MANE Select); 15 bases into the intron before coding-DNA position 68 through 12 bases into the intron before coding-DNA position 68, 4 bases deleted (CATA; older notation c.68-15_68-12delCATA).
Molecular consequence: intron variant.
Genome position (GRCh38, 1-based): chr10:86,890,047-86,890,050, CATA deleted. VCF-style (leftmost placement, unchanged base first): chr10-86890046-CCATA-C. GRCh37 (hg19) VCF-style: chr10-88649803-CCATA-C.
Other names: c.68-15_68-12del (NM_001406562.1, NM_001406568.1, NM_001406567.1 and 23 more transcripts); c.-17-15_-17-12del (NM_001406584.1, NM_001406587.1, NM_001406585.1); c.-12-20_-12-17del (NM_001406588.1, NM_001406586.1).
Identifiers: ClinVar variation 3076201 (VCV003076201.1), dbSNP rs2539429544, ClinGen allele CA2825001719.

ClinVar aggregate classification (germline): Uncertain significance (1 of 4 stars; one submission).

Conditions:
Hereditary cancer-predisposing syndrome. Also called: Neoplastic Syndromes, Hereditary; Tumor predisposition; Hereditary neoplastic syndrome; Hereditary Cancer Syndrome. Identifiers: Orphanet 140162, MedGen C0027672, MeSH D009386, MONDO:0015356.

Submission:

Ambry Genetics
Classification: Uncertain significance for Hereditary cancer-predisposing syndrome. Last evaluated: 2015-02-12. Review status: criteria provided, single submitter. Criteria: Ambry Variant Classification Scheme 2023. Collection method: clinical testing. Allele origin: germline.
Comment: The c.68-15_68-12delCATA alteration is located in Intron 3 (E) of the BMPR1A gene. This alteration consists of a deletion of 4 nucleotides at nucleotide position c.68-15 Intron 3 (E). Based on insufficient or conflicting evidence, the clinical significance of this alteration remains unclear.